The following is an entry in ClinVar:

ClinVar aggregate classification (germline): Likely benign (0 of 4 stars; one submission).

Conditions:
FAM50A-related disorder. Also called: FAM50A-related condition.

Allele frequency attached by ClinVar (database versions not stated): gnomAD 0.00003; gnomAD exomes 0.00007; TOPMed 0.00010; ExAC 0.00036.
gnomAD v4.1: 81 of 1,208,316 alleles (0.0067%); highest among the groups gnomAD compares: Admixed American, 0.17%; no homozygotes.

Submission:

PreventionGenetics, part of Exact Sciences
Classification: Likely benign for FAM50A-related condition. Last evaluated: 2021-12-29. Review status: no assertion criteria provided. Collection method: clinical testing. Allele origin: germline.
Comment: This variant is classified as likely benign based on ACMG/AMP sequence variant interpretation guidelines (Richards et al. 2015 PMID: 25741868, with internal and published modifications).

NM_004699.4(FAM50A):c.*5C>T

Gene: FAM50A (family with sequence similarity 50 member A; plus strand). Cytogenetic location: Xq28.
Variant type: single nucleotide variant.
Coding change: c.*5C>T on transcript NM_004699.4 (MANE Select); 5 bases downstream of the stop codon, C replaced by T.
Molecular consequence: 3 prime UTR variant.
Genome position (GRCh38, 1-based): chrX:154,450,437, C>T. VCF-style: chrX-154450437-C-T. GRCh37 (hg19) VCF-style: chrX-153678785-C-T.
Identifiers: ClinVar variation 3058686 (VCV003058686.2), dbSNP rs782103246, ClinGen allele CA10563531.